The following is an entry in ClinVar:

NM_001377.3(DYNC2H1):c.4157A>G (p.Asn1386Ser)

Gene: DYNC2H1 (dynein cytoplasmic 2 heavy chain 1; plus strand). Cytogenetic location: 11q22.3.
Variant type: single nucleotide variant.
Coding change: c.4157A>G on transcript NM_001377.3 (MANE Select); coding-DNA position 4157, A replaced by G.
Protein change: p.Asn1386Ser; replaces asparagine 1386 with serine.
Molecular consequence: missense variant.
Genome position (GRCh38, 1-based): chr11:103,158,706, A>G. VCF-style: chr11-103158706-A-G. GRCh37 (hg19) VCF-style: chr11-103029435-A-G.
Other names: c.4157A>G, p.Asn1386Ser (NM_001080463.2); short protein forms N1386S.
Identifiers: ClinVar variation 3345269 (VCV003345269.1).

ClinVar aggregate classification (germline): Uncertain significance (0 of 4 stars; one submission).

Conditions:
DYNC2H1-related disorder. Also called: DYNC2H1-related condition; DYNC2H1-related disorders. Identifiers: MedGen CN378770.

Submission:

PreventionGenetics, part of Exact Sciences
Classification: Uncertain significance for DYNC2H1-related condition. Last evaluated: 2024-06-03. Review status: no assertion criteria provided. Collection method: clinical testing. Allele origin: germline.
Comment: The DYNC2H1 c.4157A>G variant is predicted to result in the amino acid substitution p.Asn1386Ser. To our knowledge, this variant has not been reported in the literature or in a large population database, indicating this variant is rare. At this time, the clinical significance of this variant is uncertain due to the absence of conclusive functional and genetic evidence.